The following is an entry in ClinVar:

ClinVar aggregate classification (germline): Uncertain significance (1 of 4 stars; one submission).

gnomAD v4.1: 2 of 1,613,862 alleles (0.00012%); highest among the groups gnomAD compares: Non-Finnish European, 0.00017%; no homozygotes.

Submission:

Labcorp Genetics (formerly Invitae), Labcorp
Classification: Uncertain significance. Last evaluated: 2022-03-22. Review status: criteria provided, single submitter. Criteria: Invitae Variant Classification Sherloc (09022015). Collection method: clinical testing. Allele origin: germline.
Comment: Algorithms developed to predict the effect of missense changes on protein structure and function (SIFT, PolyPhen-2, Align-GVGD) all suggest that this variant is likely to be tolerated. In summary, the available evidence is currently insufficient to determine the role of this variant in disease. Therefore, it has been classified as a Variant of Uncertain Significance. This variant has not been reported in the literature in individuals affected with LAMC3-related conditions. This variant is not present in population databases (gnomAD no frequency). This sequence change replaces threonine, which is neutral and polar, with proline, which is neutral and non-polar, at codon 1157 of the LAMC3 protein (p.Thr1157Pro).

NM_006059.4(LAMC3):c.3469A>C (p.Thr1157Pro)

Gene: LAMC3 (laminin subunit gamma 3; plus strand). Cytogenetic location: 9q34.12.
Variant type: single nucleotide variant.
Coding change: c.3469A>C on transcript NM_006059.4 (MANE Select); coding-DNA position 3469, A replaced by C.
Protein change: p.Thr1157Pro; replaces threonine 1157 with proline.
Molecular consequence: missense variant.
Genome position (GRCh38, 1-based): chr9:131,073,296, A>C. VCF-style: chr9-131073296-A-C. GRCh37 (hg19) VCF-style: chr9-133948683-A-C.
Other names: short protein forms T1157P.
Identifiers: ClinVar variation 1472996 (VCV001472996.8), dbSNP rs1440724103, ClinGen allele CA375259863.